The following is an entry in ClinVar:

NM_002893.4(RBBP7):c.193C>G (p.Leu65Val)

Gene: RBBP7 (RB binding protein 7, chromatin remodeling factor; minus strand). Cytogenetic location: Xp22.2.
Variant type: single nucleotide variant.
Coding change: c.193C>G on transcript NM_002893.4 (MANE Select); coding-DNA position 193, C replaced by G.
Protein change: p.Leu65Val; replaces leucine 65 with valine.
Molecular consequence: missense variant.
Genome position (GRCh38, 1-based): chrX:16,863,069, G>C on the plus strand (C>G on the coding strand, the complement: RBBP7 is on the minus strand). VCF-style: chrX-16863069-G-C. GRCh37 (hg19) VCF-style: chrX-16881192-G-C.
Other names: c.325C>G, p.Leu109Val (NM_001198719.2); short protein forms L109V, L65V.
Identifiers: ClinVar variation 5038220 (VCV005038220.1).

ClinVar aggregate classification (germline): Uncertain significance (1 of 4 stars; one submission).

Conditions:
Spermatogenic failure, X-linked, 9. Identifiers: MedGen C5974893, MONDO:0976123, OMIM 301137.

gnomAD v4.1: 5 of 1,208,573 alleles (0.00041%); highest among the groups gnomAD compares: African/African-American, 0.0018%; no homozygotes.

Submission:

MVZ Medizinische Genetik Mainz
Classification: Uncertain significance for Spermatogenic failure, X-linked, 9. Last evaluated: 2025-09-25. Review status: criteria provided, single submitter. Criteria: UK Practice Guidelines For Variant Classification V4 01 2020. Collection method: clinical testing. Allele origin: germline. Inheritance: Unknown mechanism. Affected: yes. Observed: 1 variant allele.
Comment: ACMG Criteria: PM2_SUP,PP2,PP4